The following is an entry in ClinVar:

NM_004640.7(DDX39B):c.1021C>G (p.Leu341Val)

Genes: ATP6V1G2-DDX39B (ATP6V1G2-DDX39B readthrough (NMD candidate); minus strand), DDX39B (DExD-box helicase 39B; minus strand). Cytogenetic location: 6p21.33.
Variant type: single nucleotide variant.
Coding change: c.1021C>G on transcript NM_004640.7 (MANE Select); coding-DNA position 1021, C replaced by G.
Protein change: p.Leu341Val; replaces leucine 341 with valine.
Molecular consequence: missense variant. On other transcripts: non-coding transcript variant (2).
Genome position (GRCh38, 1-based): chr6:31,531,154, G>C on the plus strand (C>G on the coding strand, the complement: DDX39B is on the minus strand). VCF-style: chr6-31531154-G-C. GRCh37 (hg19) VCF-style: chr6-31498931-G-C.
Other names: c.1021C>G, p.Leu341Val (NM_080598.6); short protein forms L341V.
Identifiers: ClinVar variation 5007970 (VCV005007970.1).

ClinVar aggregate classification (germline): Uncertain significance (1 of 4 stars; one submission).

Submission:

GeneDx
Classification: Uncertain significance. Last evaluated: 2026-02-24. Review status: criteria provided, single submitter. Criteria: GeneDx Variant Classification Process June 2021. Collection method: clinical testing. Allele origin: germline.
Comment: Not observed at significant frequency in large population cohorts (gnomAD); In silico analysis suggests that this missense variant does not alter protein structure/function; Has not been previously published as pathogenic or benign to our knowledge